The following is an entry in ClinVar:

NM_024426.6(WT1):c.733C>T (p.Pro245Ser)

Gene: WT1 (WT1 transcription factor; minus strand). Cytogenetic location: 11p13.
Variant type: single nucleotide variant.
Coding change: c.733C>T on transcript NM_024426.6 (MANE Select); coding-DNA position 733, C replaced by T.
Protein change: p.Pro245Ser; replaces proline 245 with serine.
Molecular consequence: missense variant. On other transcripts: non-coding transcript variant (1).
Genome position (GRCh38, 1-based): chr11:32,428,548, G>A on the plus strand (C>T on the coding strand, the complement: WT1 is on the minus strand). VCF-style: chr11-32428548-G-A. GRCh37 (hg19) VCF-style: chr11-32450094-G-A.
Other names: c.733C>T, p.Pro245Ser (NM_000378.6, NM_001407044.1, NM_001407045.1 and 4 more transcripts); c.82C>T, p.Pro28Ser (NM_001198551.2, NM_001198552.2); c.-30C>T (NM_001407051.1); c.718C>T, p.Pro240Ser (NM_024425.2); c.718C>T (NM_024426.4); short protein forms P245S, P28S, P240S.
Identifiers: ClinVar variation 1487609 (VCV001487609.10), dbSNP rs2133075412, ClinGen allele CA379963382.

ClinVar aggregate classification (germline): Conflicting classifications of pathogenicity. Review status: criteria provided, conflicting classifications (1 of 4 stars). 2 submissions from 2 submitters: Uncertain significance (1); Likely benign (1). Last evaluated 2025-01-23.

Conditions:
Frasier syndrome. Identifiers: Orphanet 347, MedGen C0950122, MeSH D052159, MONDO:0007635, OMIM 136680.
Drash syndrome (DDS). Also called: WILMS TUMOR AND PSEUDO- OR TRUE HERMAPHRODITISM; NEPHROPATHY, WILMS TUMOR, AND GENITAL ANOMALIES. Identifiers: Orphanet 220, MedGen C0950121, MONDO:0008682, OMIM 194080.
Wilms tumor 1 (WT1). Also called: Wilms tumor, somatic. Identifiers: Orphanet 654, MedGen CN033288, MONDO:0008679, OMIM 194070.
11p partial monosomy syndrome (WAGR). Also called: WAGR syndrome; CHROMOSOME 11p13 DELETION SYNDROME; WAGR Complex; WAGR Spectrum Disorder. Identifiers: Orphanet 893, MedGen C0206115, MONDO:0008681, OMIM 194072.
Inborn genetic diseases. Identifiers: MedGen C0950123, MeSH D030342.

Submissions (2):

Ambry Genetics
Classification: Likely benign for Inborn genetic diseases. Last evaluated: 2025-01-23. Review status: criteria provided, single submitter. Criteria: Ambry Variant Classification Scheme 2023. Collection method: clinical testing. Allele origin: germline.

Labcorp Genetics (formerly Invitae), Labcorp
Classification: Uncertain significance for Wilms tumor 1; Drash syndrome; 11p partial monosomy syndrome; Frasier syndrome. Last evaluated: 2021-06-05. Review status: criteria provided, single submitter. Criteria: Invitae Variant Classification Sherloc (09022015). Collection method: clinical testing. Allele origin: germline.
Comment: In summary, the available evidence is currently insufficient to determine the role of this variant in disease. Therefore, it has been classified as a Variant of Uncertain Significance. Algorithms developed to predict the effect of missense changes on protein structure and function output the following: SIFT: "Tolerated"; PolyPhen-2: "Benign"; Align-GVGD: "Class C0". The serine amino acid residue is found in multiple mammalian species, suggesting that this missense change does not adversely affect protein function. These predictions have not been confirmed by published functional studies and their clinical significance is uncertain. This variant has not been reported in the literature in individuals with WT1-related conditions. This variant is not present in population databases (ExAC no frequency). This sequence change replaces proline with serine at codon 240 of the WT1 protein (p.Pro240Ser). The proline residue is highly conserved and there is a moderate physicochemical difference between proline and serine.